The following is an entry in ClinVar:

ClinVar aggregate classification (germline): Likely pathogenic. Review status: criteria provided, multiple submitters, no conflicts (2 of 4 stars). 2 submissions from 2 submitters: Likely pathogenic (2). Last evaluated 2026-03-09.

Conditions:
Polycystic liver disease 3 with or without kidney cysts. Identifiers: MedGen C4693472, MONDO:0054743, OMIM 617874.
ALG8 congenital disorder of glycosylation. Also called: ALG8-CDG; CONGENITAL DISORDER OF GLYCOSYLATION, TYPE Ih; CDG Ih. Identifiers: Orphanet 79325, MedGen C2931002, MONDO:0011969, OMIM 608104.

Allele frequency attached by ClinVar (database versions not stated): gnomAD exomes below 0.00001; gnomAD 0.00001.
gnomAD v4.1: 6 of 1,556,742 alleles (0.00039%); highest among the groups gnomAD compares: Middle Eastern, 0.017%; no homozygotes.

Submissions (2):

GeneDx
Classification: Likely pathogenic. Last evaluated: 2026-03-09. Review status: criteria provided, single submitter. Criteria: GeneDx Variant Classification Process June 2021. Collection method: clinical testing. Allele origin: germline. Affected: yes.
Comment: Canonical splice site variant predicted to result in a null allele in a gene for which loss of function is a known mechanism of disease; Has not been previously published as pathogenic or benign to our knowledge

Fulgent Genetics
Classification: Likely pathogenic for ALG8 congenital disorder of glycosylation; Polycystic liver disease 3 with or without kidney cysts. Last evaluated: 2021-07-14. Review status: criteria provided, single submitter. Criteria: ACMG Guidelines, 2015. Collection method: clinical testing. Allele origin: unknown.

NM_024079.5(ALG8):c.95+1G>A

Gene: ALG8 (ALG8 alpha-1,3-glucosyltransferase; minus strand). Cytogenetic location: 11q14.1.
Variant type: single nucleotide variant.
Coding change: c.95+1G>A on transcript NM_024079.5 (MANE Select); the canonical splice donor site of the intron after coding-DNA position 95, G replaced by A.
Molecular consequence: splice donor variant.
Genome position (GRCh38, 1-based): chr11:78,139,493, C>T on the plus strand (G>A on the coding strand, the complement: ALG8 is on the minus strand). VCF-style: chr11-78139493-C-T. GRCh37 (hg19) VCF-style: chr11-77850539-C-T.
Other names: c.95+1G>A (NM_001007027.3).
Identifiers: ClinVar variation 1344961 (VCV001344961.4), dbSNP rs1323512637, ClinGen allele CA382103810.